The following is an entry in ClinVar:

ClinVar aggregate classification (germline): Pathogenic (1 of 4 stars; one submission).

Conditions:
Asphyxiating thoracic dystrophy 3. Also called: SHORT-RIB THORACIC DYSPLASIA 3 WITH OR WITHOUT POLYDACTYLY; POLYDACTYLY WITH NEONATAL CHONDRODYSTROPHY, TYPE I; SHORT-RIB THORACIC DYSPLASIA 3/6 WITH POLYDACTYLY, DIGENIC; Short rib polydactyly syndrome 2B; Saldino-Noonan Syndrome. Identifiers: Orphanet 474, Orphanet 93269, Orphanet 93270, Orphanet 93271, MedGen C0036069, MONDO:0013127, OMIM 613091.

Submission:

Myriad Genetics, Inc.
Classification: Pathogenic for Asphyxiating thoracic dystrophy 3. Last evaluated: 2026-01-19. Review status: criteria provided, single submitter. Criteria: Myriad Autosomal Dominant, Autosomal Recessive and X-Linked Classification Criteria (2023). Collection method: clinical testing. Allele origin: unknown.
Comment: NM_001377.2(DYNC2H1):c.5394T>G(Y1798*) is expected to be pathogenic in the context of DYNC2H1-related disorders. This variant is predicted to lead to an abnormal or absent protein product due to the creation of a premature termination codon in DYNC2H1, a gene where loss-of-function variants are known to be pathogenic. Please note: this variant was assessed in the context of healthy population screening.

NM_001377.3(DYNC2H1):c.5394T>G (p.Tyr1798Ter)

Gene: DYNC2H1 (dynein cytoplasmic 2 heavy chain 1; plus strand). Cytogenetic location: 11q22.3.
Variant type: single nucleotide variant.
Coding change: c.5394T>G on transcript NM_001377.3 (MANE Select); coding-DNA position 5394, T replaced by G.
Protein change: p.Tyr1798Ter; replaces tyrosine 1798 with a stop codon.
Molecular consequence: nonsense.
Genome position (GRCh38, 1-based): chr11:103,173,141, T>G. VCF-style: chr11-103173141-T-G. GRCh37 (hg19) VCF-style: chr11-103043870-T-G.
Other names: c.5394T>G, p.Tyr1798Ter (NM_001080463.2); short protein forms Y1798*.
Identifiers: ClinVar variation 5015438 (VCV005015438.1).